The following is an entry in ClinVar:

NM_000548.5(TSC2):c.4290G>A (p.Trp1430Ter)

Gene: TSC2 (TSC complex subunit 2; plus strand). Cytogenetic location: 16p13.3.
Variant type: single nucleotide variant.
Coding change: c.4290G>A on transcript NM_000548.5 (MANE Select); coding-DNA position 4290, G replaced by A.
Protein change: p.Trp1430Ter; replaces tryptophan 1430 with a stop codon.
Molecular consequence: nonsense.
Genome position (GRCh38, 1-based): chr16:2,084,512, G>A. VCF-style: chr16-2084512-G-A. GRCh37 (hg19) VCF-style: chr16-2134513-G-A.
Other names: c.4089G>A, p.Trp1363Ter (NM_001077183.3); c.4221G>A, p.Trp1407Ter (NM_001114382.3); c.3981G>A, p.Trp1327Ter (NM_001318827.2); c.3945G>A, p.Trp1315Ter (NM_001318829.2); c.3558G>A, p.Trp1186Ter (NM_001318831.2); c.4122G>A, p.Trp1374Ter (NM_001318832.2); c.4092G>A, p.Trp1364Ter (NM_001363528.2); c.4158G>A, p.Trp1386Ter (NM_001370404.1); and 1 more; short protein forms W1430*, W1327*, W1364*, W1363*, W1374*, W1407*, W1387*, W1186*.
Identifiers: ClinVar variation 49291 (VCV000049291.6), dbSNP rs45517334, ClinGen allele CA020204.

ClinVar aggregate classification (germline): Pathogenic. Review status: criteria provided, single submitter (1 of 4 stars). 2 submissions from 2 submitters: Pathogenic (1). 1 of the submissions does not count toward it. Last evaluated 2025-12-09.

Conditions:
Tuberous sclerosis syndrome (TSC). Also called: Tuberous Sclerosis Complex; Tuberous sclerosis. Identifiers: Orphanet 805, MedGen C0041341, MONDO:0001734.
Tuberous sclerosis 2 (TSC2). Identifiers: Orphanet 805, MedGen C1860707, MONDO:0013199, OMIM 613254.

Submissions (2):

Labcorp Genetics (formerly Invitae), Labcorp
Classification: Pathogenic for Tuberous sclerosis 2. Last evaluated: 2025-12-09. Review status: criteria provided, single submitter. Criteria: Invitae Variant Classification Sherloc (09022015). Collection method: clinical testing. Allele origin: germline.
Comment: This sequence change creates a premature translational stop signal (p.Trp1430*) in the TSC2 gene. It is expected to result in an absent or disrupted protein product. Loss-of-function variants in TSC2 are known to be pathogenic (PMID: 10205261, 17304050). This variant is not present in population databases (gnomAD no frequency). This premature translational stop signal has been observed in individual(s) with tuberous sclerosis complex (PMID: 24668795). ClinVar contains an entry for this variant (Variation ID: 49291). For these reasons, this variant has been classified as Pathogenic.

Tuberous sclerosis database (TSC2)
No classification provided. Condition: TSC. Review status: no classification provided. Criteria: Tuberous Sclerosis Database Assertion Criteria 2015. Collection method: curation. Allele origin: germline. Affected: yes. Not counted in ClinVar's aggregate classification.

Literature cited by the submitters: PubMed 10205261 (cited by Labcorp Genetics (formerly Invitae), Labcorp); PubMed 17304050 (cited by Labcorp Genetics (formerly Invitae), Labcorp); PubMed 24668795 (cited by Labcorp Genetics (formerly Invitae), Labcorp).